The following is an entry in ClinVar:

ClinVar aggregate classification (germline): Uncertain significance (1 of 4 stars; one submission).

Conditions:
Parathyroid carcinoma (PRTC). Also called: CDC73-Related Parathyroid Carcinoma; Parathyroid gland carcinoma. Identifiers: Orphanet 143, MedGen C0687150, MONDO:0012004, OMIM 608266, HP:0006780.

Submission:

Labcorp Genetics (formerly Invitae), Labcorp
Classification: Uncertain significance for Parathyroid carcinoma. Last evaluated: 2023-04-15. Review status: criteria provided, single submitter. Criteria: Invitae Variant Classification Sherloc (09022015). Collection method: clinical testing. Allele origin: germline.
Comment: In summary, the available evidence is currently insufficient to determine the role of this variant in disease. Therefore, it has been classified as a Variant of Uncertain Significance. An algorithm developed to predict the effect of missense changes on protein structure and function (PolyPhen-2) suggests that this variant is likely to be tolerated. This variant has not been reported in the literature in individuals affected with CDC73-related conditions. This variant is not present in population databases (gnomAD no frequency). This sequence change replaces asparagine, which is neutral and polar, with aspartic acid, which is acidic and polar, at codon 244 of the CDC73 protein (p.Asn244Asp).

NM_024529.5(CDC73):c.730A>G (p.Asn244Asp)

Gene: CDC73 (cell division cycle 73; plus strand). Cytogenetic location: 1q31.2.
Variant type: single nucleotide variant.
Coding change: c.730A>G on transcript NM_024529.5 (MANE Select); coding-DNA position 730, A replaced by G.
Protein change: p.Asn244Asp; replaces asparagine 244 with aspartic acid.
Molecular consequence: missense variant.
Genome position (GRCh38, 1-based): chr1:193,147,867, A>G. VCF-style: chr1-193147867-A-G. GRCh37 (hg19) VCF-style: chr1-193116997-A-G.
Other names: short protein forms N244D.
Identifiers: ClinVar variation 2856495 (VCV002856495.3), dbSNP rs2527336666, ClinGen allele CA343963759.